The following is an entry in ClinVar:

NM_057176.3(BSND):c.283C>T (p.Gln95Ter)

Gene: BSND (barttin CLCNK type accessory subunit beta; plus strand). Cytogenetic location: 1p32.3.
Variant type: single nucleotide variant.
Coding change: c.283C>T on transcript NM_057176.3 (MANE Select); coding-DNA position 283, C replaced by T.
Protein change: p.Gln95Ter; replaces glutamine 95 with a stop codon.
Molecular consequence: nonsense.
Genome position (GRCh38, 1-based): chr1:55,007,007, C>T. VCF-style: chr1-55007007-C-T. GRCh37 (hg19) VCF-style: chr1-55472680-C-T.
Other names: c.283C>T (NM_057176.2); short protein forms Q95*.
Identifiers: ClinVar variation 1394116 (VCV001394116.7), dbSNP rs2100208563, ClinGen allele CA340473201.

ClinVar aggregate classification (germline): Pathogenic/Likely pathogenic. Review status: criteria provided, multiple submitters, no conflicts (2 of 4 stars). 2 submissions from 2 submitters: Pathogenic (1); Likely pathogenic (1). Last evaluated 2025-10-19.

Conditions:
Bartter syndrome. Identifiers: Orphanet 112, MedGen C0004775, MONDO:0015231.

Submissions (2):

Natera, Inc.
Classification: Likely pathogenic for Bartter syndrome. Last evaluated: 2025-10-19. Review status: criteria provided, single submitter. Criteria: Natera Variant Classification Schema (03/2026). Collection method: clinical testing. Allele origin: germline.
Comment: The c.283C>T variant in BSND is a nonsense variant predicted to introduce a stop codon at amino acid 95. This variant is expected to result in nonsense mediated decay, truncation, or a dysfunctional protein product. This variant is rare in the general population with a frequency below the threshold expected for the associated phenotype(s). Given the available evidence, this variant is classified as Likely Pathogenic.

Labcorp Genetics (formerly Invitae), Labcorp
Classification: Pathogenic. Last evaluated: 2021-11-18. Review status: criteria provided, single submitter. Criteria: Invitae Variant Classification Sherloc (09022015). Collection method: clinical testing. Allele origin: germline.
Comment: This variant has not been reported in the literature in individuals affected with BSND-related conditions. This variant is not present in population databases (gnomAD no frequency). This sequence change creates a premature translational stop signal (p.Gln95*) in the BSND gene. It is expected to result in an absent or disrupted protein product. Loss-of-function variants in BSND are known to be pathogenic (PMID: 11687798). For these reasons, this variant has been classified as Pathogenic.

Literature cited by the submitters: PubMed 11687798 (cited by Labcorp Genetics (formerly Invitae), Labcorp).